The following is an entry in ClinVar:

NM_001384474.1(LOXHD1):c.889dup (p.Thr297fs)

Gene: LOXHD1 (lipoxygenase homology PLAT domains 1; minus strand). Cytogenetic location: 18q21.1.
Variant type: Duplication.
Coding change: c.889dup on transcript NM_001384474.1 (MANE Select); coding-DNA position 889, one base duplicated (A; older notation c.889dupA).
Protein change: p.Thr297fs; shifts the reading frame from threonine 297.
Molecular consequence: frameshift variant.
Genome position (GRCh38, 1-based): chr18:46,601,462, T duplicated on the plus strand (A on the coding strand, the reverse complement: LOXHD1 is on the minus strand). VCF-style (leftmost placement, unchanged base first): chr18-46601461-G-GT. GRCh37 (hg19) VCF-style: chr18-44181424-G-GT.
Other names: c.889dup, p.Thr297fs (NM_144612.7); short protein forms T297fs.
Identifiers: ClinVar variation 2710189 (VCV002710189.3), dbSNP rs2511955196, ClinGen allele CA2697555437.
Genomic context (GRCh38, chr18:46,601,461, plus strand): 5'-TAGATTTTGGATTTGGTACCAGCCCCCCGGACATCCCCAGTGAAGACGGTGACAATATAC[G>GT]TAATAGCTGGTGTGGAAACAACAGGAAAGAGAGTGTTCAATGTGAGCTGCATCATAATAT-3'

ClinVar aggregate classification (germline): Pathogenic (1 of 4 stars; one submission).

Submission:

Labcorp Genetics (formerly Invitae), Labcorp
Classification: Pathogenic. Last evaluated: 2024-01-19. Review status: criteria provided, single submitter. Criteria: Invitae Variant Classification Sherloc (09022015). Collection method: clinical testing. Allele origin: germline.
Comment: This sequence change creates a premature translational stop signal (p.Thr297Asnfs*31) in the LOXHD1 gene. It is expected to result in an absent or disrupted protein product. Loss-of-function variants in LOXHD1 are known to be pathogenic (PMID: 19732867, 21465660, 25792669). This variant is not present in population databases (gnomAD no frequency). This variant has not been reported in the literature in individuals affected with LOXHD1-related conditions. For these reasons, this variant has been classified as Pathogenic.

Literature cited by the submitters: PubMed 19732867; PubMed 21465660; PubMed 25792669.